The following is an entry in ClinVar:

NM_032608.7(MYO18B):c.5970+5G>A

Gene: MYO18B (myosin XVIIIB; plus strand). Cytogenetic location: 22q12.1.
Variant type: single nucleotide variant.
Coding change: c.5970+5G>A on transcript NM_032608.7 (MANE Select); 5 bases into the intron after coding-DNA position 5970, G replaced by A.
Molecular consequence: intron variant.
Genome position (GRCh38, 1-based): chr22:25,952,428, G>A. VCF-style: chr22-25952428-G-A. GRCh37 (hg19) VCF-style: chr22-26348394-G-A.
Other names: c.5973+5G>A (NM_001318245.2).
Identifiers: ClinVar variation 1981139 (VCV001981139.4), dbSNP rs772779603, ClinGen allele CA10161343.

ClinVar aggregate classification (germline): Uncertain significance (1 of 4 stars; one submission).

Allele frequency attached by ClinVar (database versions not stated): ExAC 0.00002.
gnomAD v4.1: 27 of 1,612,836 alleles (0.0017%); highest among the groups gnomAD compares: Non-Finnish European, 0.0021%; no homozygotes.

Submission:

Labcorp Genetics (formerly Invitae), Labcorp
Classification: Uncertain significance. Last evaluated: 2022-08-16. Review status: criteria provided, single submitter. Criteria: Invitae Variant Classification Sherloc (09022015). Collection method: clinical testing. Allele origin: germline.
Comment: This variant has not been reported in the literature in individuals affected with MYO18B-related conditions. In summary, the available evidence is currently insufficient to determine the role of this variant in disease. Therefore, it has been classified as a Variant of Uncertain Significance. Variants that disrupt the consensus splice site are a relatively common cause of aberrant splicing (PMID: 17576681, 9536098). Algorithms developed to predict the effect of sequence changes on RNA splicing suggest that this variant may create or strengthen a splice site. This variant is present in population databases (rs772779603, gnomAD 0.007%). This sequence change falls in intron 38 of the MYO18B gene. It does not directly change the encoded amino acid sequence of the MYO18B protein. It affects a nucleotide within the consensus splice site.

Literature cited by the submitters: PubMed 17576681; PubMed 9536098.